The following is an entry in ClinVar:

NM_000217.3(KCNA1):c.1229A>C (p.Asn410Thr)

Gene: KCNA1 (potassium voltage-gated channel subfamily A member 1; plus strand). Cytogenetic location: 12p13.32.
Variant type: single nucleotide variant.
Coding change: c.1229A>C on transcript NM_000217.3 (MANE Select); coding-DNA position 1229, A replaced by C.
Protein change: p.Asn410Thr; replaces asparagine 410 with threonine.
Molecular consequence: missense variant.
Genome position (GRCh38, 1-based): chr12:4,912,607, A>C. VCF-style: chr12-4912607-A-C. GRCh37 (hg19) VCF-style: chr12-5021773-A-C.
Other names: short protein forms N410T.
Identifiers: ClinVar variation 1994585 (VCV001994585.4), dbSNP rs2497354003, ClinGen allele CA383456312.
Genomic context (GRCh38, chr12:4,912,607, plus strand): 5'-CCTTGTGTGCCATCGCTGGTGTGCTAACAATTGCCCTGCCCGTACCTGTCATTGTGTCCA[A>C]TTTCAACTATTTCTACCACCGAGAAACTGAGGGGGAAGAGCAGGCTCAGTTGCTCCACGT-3'
Protein context (NP_000208.2, residues 400-420): IALPVPVIVS[Asn410Thr]FNYFYHRETE

ClinVar aggregate classification (germline): Uncertain significance (1 of 4 stars; one submission).

Conditions:
Episodic ataxia type 1 (EA1). Also called: MYOKYMIA WITH PERIODIC ATAXIA; PAROXYSMAL ATAXIA WITH NEUROMYOTONIA, HEREDITARY; ATAXIA, EPISODIC, WITH MYOKYMIA; Episodic ataxia/myokymia syndrome. Identifiers: Orphanet 37612, Orphanet 972, MedGen C1719788, MONDO:0008047, OMIM 160120.

Allele frequency attached by ClinVar (database versions not stated): gnomAD exomes below 0.00001.
gnomAD v4.1: 1 of 1,609,562 alleles (0.000062%); highest among the groups gnomAD compares: Non-Finnish European, 0.000085%; no homozygotes.

Submission:

Labcorp Genetics (formerly Invitae), Labcorp
Classification: Uncertain significance for Episodic ataxia type 1. Last evaluated: 2022-08-31. Review status: criteria provided, single submitter. Criteria: Invitae Variant Classification Sherloc (09022015). Collection method: clinical testing. Allele origin: germline.
Comment: In summary, the available evidence is currently insufficient to determine the role of this variant in disease. Therefore, it has been classified as a Variant of Uncertain Significance. Advanced modeling of protein sequence and biophysical properties (such as structural, functional, and spatial information, amino acid conservation, physicochemical variation, residue mobility, and thermodynamic stability) performed at Invitae indicates that this missense variant is expected to disrupt KCNA1 protein function. This variant has not been reported in the literature in individuals affected with KCNA1-related conditions. This variant is not present in population databases (gnomAD no frequency). This sequence change replaces asparagine, which is neutral and polar, with threonine, which is neutral and polar, at codon 410 of the KCNA1 protein (p.Asn410Thr).